The following is an entry in ClinVar:

NM_012473.4(TXN2):c.50G>C (p.Arg17Thr)

Gene: TXN2 (thioredoxin 2; minus strand). Cytogenetic location: 22q12.3.
Variant type: single nucleotide variant.
Coding change: c.50G>C on transcript NM_012473.4 (MANE Select); coding-DNA position 50, G replaced by C.
Protein change: p.Arg17Thr; replaces arginine 17 with threonine.
Molecular consequence: missense variant.
Genome position (GRCh38, 1-based): chr22:36,480,788, C>G on the plus strand (G>C on the coding strand, the complement: TXN2 is on the minus strand). VCF-style: chr22-36480788-C-G. GRCh37 (hg19) VCF-style: chr22-36876835-C-G.
Other names: short protein forms R17T.
Identifiers: ClinVar variation 2011048 (VCV002011048.4), dbSNP rs777701106, ClinGen allele CA411372376.

ClinVar aggregate classification (germline): Uncertain significance (1 of 4 stars; one submission).

Submission:

Labcorp Genetics (formerly Invitae), Labcorp
Classification: Uncertain significance. Last evaluated: 2022-09-27. Review status: criteria provided, single submitter. Criteria: Invitae Variant Classification Sherloc (09022015). Collection method: clinical testing. Allele origin: germline.
Comment: Algorithms developed to predict the effect of missense changes on protein structure and function (SIFT, PolyPhen-2, Align-GVGD) all suggest that this variant is likely to be tolerated. This variant has not been reported in the literature in individuals affected with TXN2-related conditions. This variant is not present in population databases (gnomAD no frequency). This sequence change replaces arginine, which is basic and polar, with threonine, which is neutral and polar, at codon 17 of the TXN2 protein (p.Arg17Thr). In summary, the available evidence is currently insufficient to determine the role of this variant in disease. Therefore, it has been classified as a Variant of Uncertain Significance.